The following is an entry in ClinVar:

NM_015072.5(TTLL5):c.2975C>T (p.Ser992Leu)

Gene: TTLL5 (tubulin tyrosine ligase like 5; plus strand). Cytogenetic location: 14q24.3.
Variant type: single nucleotide variant.
Coding change: c.2975C>T on transcript NM_015072.5 (MANE Select); coding-DNA position 2975, C replaced by T.
Protein change: p.Ser992Leu; replaces serine 992 with leucine.
Molecular consequence: missense variant.
Genome position (GRCh38, 1-based): chr14:75,783,519, C>T. VCF-style: chr14-75783519-C-T. GRCh37 (hg19) VCF-style: chr14-76249862-C-T.
Other names: short protein forms S992L.
Identifiers: ClinVar variation 1052321 (VCV001052321.10), dbSNP rs766790509, ClinGen allele CA7279850.
Genomic context (GRCh38, chr14:75,783,519, plus strand): 5'-CCTTTTCTTCCTTCCAAAGTGCTGCACACATCTATAGCCAGAAACTGTCTCGTCCCTCTT[C>T]AGCAAAGGCAGGTGAGTGAGAGAACGAAAGACAGTCCACAATGTGAGCTCCTCCCCAGCC-3'
Protein context (NP_055887.3, residues 982-1002): IYSQKLSRPS[Ser992Leu]AKAGSCYLNK

ClinVar aggregate classification (germline): Uncertain significance (1 of 4 stars; one submission).

Allele frequency attached by ClinVar (database versions not stated): gnomAD exomes below 0.00001; ExAC 0.00001.
gnomAD v4.1: 1 of 1,613,180 alleles (0.000062%); highest among the groups gnomAD compares: East Asian, 0.0022%; no homozygotes.

Submission:

Labcorp Genetics (formerly Invitae), Labcorp
Classification: Uncertain significance. Last evaluated: 2022-08-16. Review status: criteria provided, single submitter. Criteria: Invitae Variant Classification Sherloc (09022015). Collection method: clinical testing. Allele origin: germline.
Comment: This variant is present in population databases (rs766790509, gnomAD 0.006%). This variant has not been reported in the literature in individuals affected with TTLL5-related conditions. ClinVar contains an entry for this variant (Variation ID: 1052321). Algorithms developed to predict the effect of missense changes on protein structure and function are either unavailable or do not agree on the potential impact of this missense change (SIFT: "Deleterious"; PolyPhen-2: "Probably Damaging"; Align-GVGD: "Class C0"). In summary, the available evidence is currently insufficient to determine the role of this variant in disease. Therefore, it has been classified as a Variant of Uncertain Significance. This sequence change replaces serine, which is neutral and polar, with leucine, which is neutral and non-polar, at codon 992 of the TTLL5 protein (p.Ser992Leu).